The following is an entry in ClinVar:

ClinVar aggregate classification (germline): Uncertain significance (1 of 4 stars; one submission).

Submission:

GeneDx
Classification: Uncertain significance. Last evaluated: 2024-04-26. Review status: criteria provided, single submitter. Criteria: GeneDx Variant Classification Process June 2021. Collection method: clinical testing. Allele origin: germline. Affected: yes.
Comment: In silico analysis indicates that this missense variant does not alter protein structure/function; Not observed at significant frequency in large population cohorts (gnomAD); Has not been previously published as pathogenic or benign to our knowledge

NM_004787.4(SLIT2):c.685C>G (p.Arg229Gly)

Gene: SLIT2 (slit guidance ligand 2; plus strand). Cytogenetic location: 4p15.31.
Variant type: single nucleotide variant.
Coding change: c.685C>G on transcript NM_004787.4 (MANE Select); coding-DNA position 685, C replaced by G.
Protein change: p.Arg229Gly; replaces arginine 229 with glycine.
Molecular consequence: missense variant.
Genome position (GRCh38, 1-based): chr4:20,488,892, C>G. VCF-style: chr4-20488892-C-G. GRCh37 (hg19) VCF-style: chr4-20490515-C-G.
Other names: c.685C>G, p.Arg229Gly (NM_001289135.3, NM_001289136.3); short protein forms R229G.
Identifiers: ClinVar variation 3372913 (VCV003372913.1).